The following is an entry in ClinVar:

ClinVar aggregate classification (germline): Uncertain significance (1 of 4 stars; one submission).

Conditions:
Developmental and epileptic encephalopathy, 14 (DEE14). Also called: Early infantile epileptic encephalopathy 14. Identifiers: Orphanet 293181, MedGen C3554195, MONDO:0013989, OMIM 614959.
Autosomal dominant nocturnal frontal lobe epilepsy 5. Also called: KCNT1-Related Epilepsy; Epilepsy, nocturnal frontal lobe, 5; CILIARY DYSKINESIA, PRIMARY, 28, WITHOUT SITUS INVERSUS; CILIARY DYSKINESIA, PRIMARY, 28, WITH SITUS INVERSUS. Identifiers: Orphanet 98784, MedGen C3554306, MONDO:0014002, OMIM 615005.

Submission:

Labcorp Genetics (formerly Invitae), Labcorp
Classification: Uncertain significance for Autosomal dominant nocturnal frontal lobe epilepsy 5; Developmental and epileptic encephalopathy, 14. Last evaluated: 2022-07-25. Review status: criteria provided, single submitter. Criteria: Invitae Variant Classification Sherloc (09022015). Collection method: clinical testing. Allele origin: germline.
Comment: In summary, the available evidence is currently insufficient to determine the role of this variant in disease. Therefore, it has been classified as a Variant of Uncertain Significance. Advanced modeling of protein sequence and biophysical properties (such as structural, functional, and spatial information, amino acid conservation, physicochemical variation, residue mobility, and thermodynamic stability) performed at Invitae indicates that this missense variant is expected to disrupt KCNT1 protein function. This variant has not been reported in the literature in individuals affected with KCNT1-related conditions. This variant is not present in population databases (gnomAD no frequency). This sequence change replaces serine, which is neutral and polar, with tyrosine, which is neutral and polar, at codon 827 of the KCNT1 protein (p.Ser827Tyr).

NM_020822.3(KCNT1):c.2480C>A (p.Ser827Tyr)

Gene: KCNT1 (potassium sodium-activated channel subfamily T member 1; plus strand). Cytogenetic location: 9q34.3.
Variant type: single nucleotide variant.
Coding change: c.2480C>A on transcript NM_020822.3 (MANE Select); coding-DNA position 2480, C replaced by A.
Protein change: p.Ser827Tyr; replaces serine 827 with tyrosine.
Molecular consequence: missense variant.
Genome position (GRCh38, 1-based): chr9:135,777,468, C>A. VCF-style: chr9-135777468-C-A. GRCh37 (hg19) VCF-style: chr9-138669314-C-A.
Other names: c.2345C>A, p.Ser782Tyr (NM_001272003.2); short protein forms S782Y, S827Y.
Identifiers: ClinVar variation 1713733 (VCV001713733.6), dbSNP rs2491024704, ClinGen allele CA375513604.